The following is an entry in ClinVar:

NM_001368397.1(FRMPD4):c.1452C>G (p.Leu484=)

Gene: FRMPD4 (FERM and PDZ domain containing 4; plus strand). Cytogenetic location: Xp22.2.
Variant type: single nucleotide variant.
Coding change: c.1452C>G on transcript NM_001368397.1 (MANE Select); coding-DNA position 1452, C replaced by G.
Protein change: p.Leu484=; no amino-acid change (leucine 484 retained).
Molecular consequence: synonymous variant.
Genome position (GRCh38, 1-based): chrX:12,707,633, C>G. VCF-style: chrX-12707633-C-G. GRCh37 (hg19) VCF-style: chrX-12725752-C-G.
Other names: c.1563C>G, p.Leu521= (NM_001368395.3, NM_001368398.3); c.1458C>G, p.Leu486= (NM_001368396.3); c.1443C>G, p.Leu481= (NM_001368399.3); c.1332C>G, p.Leu444= (NM_001368400.3); c.1428C>G, p.Leu476= (NM_001368401.1, NM_001368402.3); c.1452C>G, p.Leu484= (NM_014728.3).
Identifiers: ClinVar variation 3039376 (VCV003039376.2), dbSNP rs372073451, ClinGen allele CA10349295.

ClinVar aggregate classification (germline): Likely benign (0 of 4 stars; one submission).

Conditions:
FRMPD4-related disorder. Also called: FRMPD4-related condition.

Allele frequency attached by ClinVar (database versions not stated): ExAC 0.00011; TOPMed 0.00014; gnomAD 0.00017; gnomAD exomes 0.00017; ESP Exome Variant Server 0.00019.
gnomAD v4.1: 202 of 1,202,694 alleles (0.017%); highest among the groups gnomAD compares: Non-Finnish European, 0.022%; no homozygotes.

Submission:

PreventionGenetics, part of Exact Sciences
Classification: Likely benign for FRMPD4-related condition. Last evaluated: 2019-05-21. Review status: no assertion criteria provided. Collection method: clinical testing. Allele origin: germline.
Comment: This variant is classified as likely benign based on ACMG/AMP sequence variant interpretation guidelines (Richards et al. 2015 PMID: 25741868, with internal and published modifications).